The following is an entry in ClinVar:

ClinVar aggregate classification (germline): Uncertain significance. Review status: criteria provided, multiple submitters, no conflicts (2 of 4 stars). 2 submissions from 2 submitters: Uncertain significance (2). Last evaluated 2025-01-07.

gnomAD v4.1: 5 of 1,179,816 alleles (0.00042%); highest among the groups gnomAD compares: Non-Finnish European, 0.00057%; no homozygotes.

Submissions (2):

GeneDx
Classification: Uncertain significance. Last evaluated: 2025-01-07. Review status: criteria provided, single submitter. Criteria: GeneDx Variant Classification Process June 2021. Collection method: clinical testing. Allele origin: germline. Affected: yes.
Comment: Not observed at significant frequency in large population cohorts (gnomAD); In silico analysis indicates that this missense variant does not alter protein structure/function; Has not been previously published as pathogenic or benign to our knowledge

Blueprint Genetics
Classification: Uncertain significance. Last evaluated: 2023-10-18. Review status: criteria provided, single submitter. Criteria: ACMG Guidelines, 2015. Collection method: clinical testing. Allele origin: germline.

NM_001368397.1(FRMPD4):c.1103C>A (p.Ser368Tyr)

Gene: FRMPD4 (FERM and PDZ domain containing 4; plus strand). Cytogenetic location: Xp22.2.
Variant type: single nucleotide variant.
Coding change: c.1103C>A on transcript NM_001368397.1 (MANE Select); coding-DNA position 1103, C replaced by A.
Protein change: p.Ser368Tyr; replaces serine 368 with tyrosine.
Molecular consequence: missense variant.
Genome position (GRCh38, 1-based): chrX:12,704,391, C>A. VCF-style: chrX-12704391-C-A. GRCh37 (hg19) VCF-style: chrX-12722510-C-A.
Other names: c.1214C>A, p.Ser405Tyr (NM_001368395.3, NM_001368398.3); c.1109C>A, p.Ser370Tyr (NM_001368396.3); c.1094C>A, p.Ser365Tyr (NM_001368399.3); c.983C>A, p.Ser328Tyr (NM_001368400.3); c.1079C>A, p.Ser360Tyr (NM_001368401.1, NM_001368402.3); c.1103C>A, p.Ser368Tyr (NM_014728.3); short protein forms S328Y, S370Y, S360Y, S368Y, S365Y, S405Y.
Identifiers: ClinVar variation 4056041 (VCV004056041.2).